The following is an entry in ClinVar:

NM_001206927.2(DNAH8):c.7793del (p.Leu2598fs)

Gene: DNAH8 (dynein axonemal heavy chain 8; plus strand). Cytogenetic location: 6p21.2.
Variant type: Deletion.
Coding change: c.7793del on transcript NM_001206927.2 (MANE Select); coding-DNA position 7793, one base deleted (T; older notation c.7793delT).
Protein change: p.Leu2598fs; shifts the reading frame from leucine 2598.
Molecular consequence: frameshift variant.
Genome position (GRCh38, 1-based): chr6:38,875,763, T deleted; the last of 2 consecutive T bases (chr6:38,875,762-38,875,763); deleting either gives the same sequence. VCF-style (leftmost placement, unchanged base first): chr6-38875761-GT-G. GRCh37 (hg19) VCF-style: chr6-38843537-GT-G.
Other names: c.7142del, p.Leu2381fs (NM_001371.4); short protein forms L2598fs, L2381fs.
Identifiers: ClinVar variation 525331 (VCV000525331.7), dbSNP rs749731714, ClinGen allele CA3790016.

ClinVar aggregate classification (germline): Pathogenic (1 of 4 stars; one submission).

Conditions:
Primary ciliary dyskinesia. Also called: Ciliary dyskinesia. Identifiers: Orphanet 244, MedGen C0008780, MONDO:0016575, HP:0012265.

Submission:

Labcorp Genetics (formerly Invitae), Labcorp
Classification: Pathogenic for Primary ciliary dyskinesia. Last evaluated: 2017-09-12. Review status: criteria provided, single submitter. Criteria: Invitae Variant Classification Sherloc (09022015). Collection method: clinical testing. Allele origin: germline.
Comment: Loss-of-function variants in DNAH8 are known to be pathogenic (PMID: 24307375). This variant has not been reported in the literature in individuals with DNAH8-related disease. This variant is present in population databases (rs749731714, ExAC 0.002%). For these reasons, this variant has been classified as Pathogenic. This sequence change creates a premature translational stop signal (p.Leu2598Trpfs*61) in the DNAH8 gene. It is expected to result in an absent or disrupted protein product.

Literature cited by the submitters: PubMed 24307375.